The following is an entry in ClinVar:

NM_002474.3(MYH11):c.5088C>T (p.Leu1696=)

Genes: MYH11 (myosin heavy chain 11; minus strand), NDE1 (nudE neurodevelopment protein 1; plus strand). Cytogenetic location: 16p13.11.
Variant type: single nucleotide variant.
Coding change: c.5088C>T on transcript NM_002474.3 (MANE Select); coding-DNA position 5088, C replaced by T.
Protein change: p.Leu1696=; no amino-acid change (leucine 1696 retained).
Molecular consequence: synonymous variant. On other transcripts: intron variant (2).
Genome position (GRCh38, 1-based): chr16:15,719,303, G>A on the plus strand (C>T on the coding strand, the complement: MYH11 is on the minus strand). VCF-style: chr16-15719303-G-A. GRCh37 (hg19) VCF-style: chr16-15813160-G-A.
Other names: c.5109C>T, p.Leu1703= (NM_001040113.2, NM_001040114.2); c.5088C>T, p.Leu1696= (NM_022844.3); c.948-4888G>A (NM_001143979.2, NM_017668.3).
Identifiers: ClinVar variation 750893 (VCV000750893.28), dbSNP rs776142323, ClinGen allele CA7921426.
Genomic context (GRCh38, chr16:15,719,303, plus strand): 5'-CTCCTCTGCCAGTTCCTCCTTCTCGAGGTCCGCTTGTTTGCGAGCCCTCTCAGCGGCGGC[G>A]AGGTCCTAGGTGGGAGGGAGGAAGGCTGTTGTCTGCCAGGGAAAGGCCAAGCCCCACCAA-3'
Protein context (NP_002465.1, residues 1686-1706): EADLMQLQED[Leu1696=]AAAERARKQA

ClinVar aggregate classification (germline): Likely benign. Review status: criteria provided, multiple submitters, no conflicts (2 of 4 stars). 4 submissions from 4 submitters: Likely benign (4). Last evaluated 2025-04-11.

Conditions:
Familial thoracic aortic aneurysm and aortic dissection (TAAD). Also called: Thoracic aortic aneurysms and dissections. Identifiers: Orphanet 91387, MedGen C4707243, MONDO:0019625.
Aortic aneurysm, familial thoracic 4 (AAT4). Also called: AORTIC ANEURYSM/AORTIC DISSECTION AND PATENT DUCTUS ARTERIOSUS. Identifiers: MedGen C1851504, MONDO:0007568, OMIM 132900.

Allele frequency attached by ClinVar (database versions not stated): ExAC 0.00001; gnomAD 0.00001; gnomAD exomes 0.00001; TOPMed 0.00001.
gnomAD v4.1: 20 of 1,610,830 alleles (0.0012%); highest among the groups gnomAD compares: East Asian, 0.0067%; no homozygotes.

Submissions (4):

Labcorp Genetics (formerly Invitae), Labcorp
Classification: Likely benign for Aortic aneurysm, familial thoracic 4. Last evaluated: 2025-04-11. Review status: criteria provided, single submitter. Criteria: Invitae Variant Classification Sherloc (09022015). Collection method: clinical testing. Allele origin: germline.

All of Us Research Program, National Institutes of Health
Classification: Likely benign for Familial thoracic aortic aneurysm and aortic dissection. Last evaluated: 2024-07-20. Review status: criteria provided, single submitter. Criteria: ACMG Guidelines, 2015. Collection method: clinical testing. Allele origin: germline. Inheritance: Autosomal dominant inheritance. Observed: 4 variant alleles, 4 heterozygotes.
Comment: This study involves interpretation of variants in research participants for the purpose of population health screening. Participant phenotype was not available at the time of variant classification. Additional details can be found in publication PMID: 35346344, PMCID: PMC8962531

Ambry Genetics
Classification: Likely benign for Familial thoracic aortic aneurysm and aortic dissection. Last evaluated: 2021-04-15. Review status: criteria provided, single submitter. Criteria: Ambry Variant Classification Scheme 2023. Collection method: clinical testing. Allele origin: germline.

Color Diagnostics, LLC DBA Color Health
Classification: Likely benign for Familial thoracic aortic aneurysm and aortic dissection. Last evaluated: 2019-05-13. Review status: criteria provided, single submitter. Criteria: ACMG Guidelines, 2015. Collection method: clinical testing. Allele origin: germline.